The following is an entry in ClinVar:

ClinVar aggregate classification (germline): Uncertain significance (1 of 4 stars; one submission).

Submission:

Ambry Genetics
Classification: Uncertain significance. Last evaluated: 2026-03-15. Review status: criteria provided, single submitter. Criteria: Ambry Variant Classification Scheme 2023. Collection method: clinical testing. Allele origin: germline.
Comment: The p.V558E variant (also known as c.1673T>A), located in coding exon 7 of the WNK2 gene, results from a T to A substitution at nucleotide position 1673. The valine at codon 558 is replaced by glutamic acid, an amino acid with dissimilar properties. This amino acid position is conserved. In addition, this alteration is predicted to be tolerated by in silico analysis. Based on the available evidence, the clinical significance of this variant remains unclear.

NM_006648.4(WNK2):c.1673T>A (p.Val558Glu)

Gene: WNK2 (WNK lysine deficient protein kinase 2; plus strand). Cytogenetic location: 9q22.31.
Variant type: single nucleotide variant.
Coding change: c.1673T>A on transcript NM_006648.4 (MANE Select); coding-DNA position 1673, T replaced by A.
Protein change: p.Val558Glu; replaces valine 558 with glutamic acid.
Molecular consequence: missense variant.
Genome position (GRCh38, 1-based): chr9:93,247,673, T>A. VCF-style: chr9-93247673-T-A. GRCh37 (hg19) VCF-style: chr9-96009955-T-A.
Other names: c.1673T>A, p.Val558Glu (NM_001282394.3); short protein forms V558E.
Identifiers: ClinVar variation 4866510 (VCV004866510.1).